The following is an entry in ClinVar:

NM_000256.3(MYBPC3):c.890C>G (p.Ser297Ter)

Gene: MYBPC3 (myosin binding protein C3; minus strand). Cytogenetic location: 11p11.2.
Variant type: single nucleotide variant.
Coding change: c.890C>G on transcript NM_000256.3 (MANE Select); coding-DNA position 890, C replaced by G.
Protein change: p.Ser297Ter; replaces serine 297 with a stop codon.
Molecular consequence: nonsense.
Genome position (GRCh38, 1-based): chr11:47,347,441, G>C on the plus strand (C>G on the coding strand, the complement: MYBPC3 is on the minus strand). VCF-style: chr11-47347441-G-C. GRCh37 (hg19) VCF-style: chr11-47368992-G-C.
Other names: short protein forms S297*.
Identifiers: ClinVar variation 1460336 (VCV001460336.8), dbSNP rs2142865199, ClinGen allele CA380333238.
Genomic context (GRCh38, chr11:47,347,441, plus strand): 5'-GCCAGGCCTCACCAGCTGCCCCAGGAACTGCCACCCAGGACTCACCTCTTTTTCAGCAGT[G>C]AGCTGAAGTCCAGAATCCCAGTGTCCTCATGGCTATCACTATGGAGAGGGACCCCCAGTG-3'

ClinVar aggregate classification (germline): Pathogenic (1 of 4 stars; one submission).

Conditions:
Hypertrophic cardiomyopathy. Also called: HYPERTROPHIC MYOCARDIOPATHY. Identifiers: Orphanet 217569, MedGen C0007194, MeSH D002312, MONDO:0005045, HP:0001639.

gnomAD v4.1: 1 of 1,591,722 alleles (0.000063%); highest among the groups gnomAD compares: East Asian, 0.0023%; no homozygotes.

Submission:

Labcorp Genetics (formerly Invitae), Labcorp
Classification: Pathogenic for Hypertrophic cardiomyopathy. Last evaluated: 2021-06-08. Review status: criteria provided, single submitter. Criteria: Invitae Variant Classification Sherloc (09022015). Collection method: clinical testing. Allele origin: germline.
Comment: This sequence change creates a premature translational stop signal (p.Ser297*) in the MYBPC3 gene. It is expected to result in an absent or disrupted protein product. Loss-of-function variants in MYBPC3 are known to be pathogenic (PMID: 19574547). This variant is not present in population databases (ExAC no frequency). This variant has been observed in individual(s) with hypertrophic cardiomyopathy (PMID: 16799241). For these reasons, this variant has been classified as Pathogenic.

Literature cited by the submitters: PubMed 19574547; PubMed 16799241.